The following is an entry in ClinVar:

ClinVar aggregate classification (germline): Uncertain significance (1 of 4 stars; one submission).

Submission:

GeneDx
Classification: Uncertain significance. Last evaluated: 2022-03-24. Review status: criteria provided, single submitter. Criteria: GeneDx Variant Classification Process June 2021. Collection method: clinical testing. Allele origin: germline. Affected: yes.
Comment: Has not been previously published as pathogenic or benign to our knowledge; Not observed at significant frequency in large population cohorts (gnomAD); In silico analysis supports that this missense variant does not alter protein structure/function

NM_004733.4(SLC33A1):c.845A>G (p.Asn282Ser)

Gene: SLC33A1 (solute carrier family 33 member 1; minus strand). Cytogenetic location: 3q25.31.
Variant type: single nucleotide variant.
Coding change: c.845A>G on transcript NM_004733.4 (MANE Select); coding-DNA position 845, A replaced by G.
Protein change: p.Asn282Ser; replaces asparagine 282 with serine.
Molecular consequence: missense variant. On other transcripts: intron variant (1).
Genome position (GRCh38, 1-based): chr3:155,842,550, T>C on the plus strand (A>G on the coding strand, the complement: SLC33A1 is on the minus strand). VCF-style: chr3-155842550-T-C. GRCh37 (hg19) VCF-style: chr3-155560339-T-C.
Other names: c.845A>G, p.Asn282Ser (NM_001190992.2); c.776-8509A>G (NM_001363883.1); short protein forms N282S.
Identifiers: ClinVar variation 1706698 (VCV001706698.2), dbSNP rs2472982996, ClinGen allele CA355141823.
Genomic context (GRCh38, chr3:155,842,550, plus strand): 5'-AAAAGCAGCTTGTAAGTATCTGTGATCCCTTGTGTTTCTTCTTTTACTACTGATACTTCG[T>C]TTTCTTTTTTCAGAAGGGCAACCAATGTTGTTGTTATTAAAAATACAGTTCCCCAGAAAA-3'
Protein context (NP_004724.1, residues 272-292): TTLVALLKKE[Asn282Ser]EVSVVKEETQ